The following is an entry in ClinVar:

ClinVar aggregate classification (germline): Uncertain significance. Review status: criteria provided, multiple submitters, no conflicts (2 of 4 stars). 3 submissions from 3 submitters: Uncertain significance (3). Last evaluated 2026-09-01.

Conditions:
OTOGL-related disorder. Also called: OTOGL-related condition.
Hearing impairment. Also called: Impaired Hearing. Identifiers: MedGen C1384666, MONDO:0005365, HP:0000365.

Allele frequency attached by ClinVar (database versions not stated): gnomAD 0.00002; gnomAD exomes 0.00002; ExAC 0.00003; TOPMed 0.00005; ESP Exome Variant Server 0.00008; 1000 Genomes Project 30x 0.00016; 1000 Genomes Project 0.00020.
gnomAD v4.1: 42 of 1,598,680 alleles (0.0026%); highest among the groups gnomAD compares: Non-Finnish European, 0.0031%; no homozygotes.

Submissions (3):

PreventionGenetics, part of Exact Sciences
Classification: Uncertain significance for OTOGL-related condition. Last evaluated: 2026-09-01. Review status: criteria provided, single submitter. Criteria: ACMG Guidelines, 2015. Collection method: clinical testing. Allele origin: germline.
Comment: The OTOGL c.4517G>A variant is predicted to result in the amino acid substitution p.Arg1506Gln. To our knowledge, this variant has not been reported in the literature. This variant is reported in 0.0052% of alleles in individuals of East Asian descent in gnomAD. At this time, the clinical significance of this variant is uncertain due to the absence of conclusive functional and genetic evidence.

GeneDx
Classification: Uncertain significance. Last evaluated: 2024-08-19. Review status: criteria provided, single submitter. Criteria: GeneDx Variant Classification Process June 2021. Collection method: clinical testing. Allele origin: germline. Affected: yes.
Comment: Not observed at significant frequency in large population cohorts (gnomAD); In silico analysis indicates that this missense variant does not alter protein structure/function; Has not been previously published as pathogenic or benign to our knowledge

Department of Otolaryngology – Head & Neck Surgery, Cochlear Implant Center
Classification: Uncertain significance for Hearing impairment. Last evaluated: 2021-04-12. Review status: criteria provided, single submitter. Criteria: ClinGen HL ACMG Specifications v1. Collection method: clinical testing. Allele origin: germline. Affected: yes.
Comment: PM2_Moderate, BP4_Supporting

NM_001378609.3(OTOGL):c.4544G>A (p.Arg1515Gln)

Gene: OTOGL (otogelin like; plus strand). Cytogenetic location: 12q21.31.
Variant type: single nucleotide variant.
Coding change: c.4544G>A on transcript NM_001378609.3 (MANE Select); coding-DNA position 4544, G replaced by A.
Protein change: p.Arg1515Gln; replaces arginine 1515 with glutamine.
Molecular consequence: missense variant.
Genome position (GRCh38, 1-based): chr12:80,336,084, G>A. VCF-style: chr12-80336084-G-A. GRCh37 (hg19) VCF-style: chr12-80729864-G-A.
Other names: c.4409G>A, p.Arg1470Gln (NM_001368062.3); c.4544G>A, p.Arg1515Gln (NM_001378610.3, NM_173591.7); short protein forms R1470Q, R1515Q.
Identifiers: ClinVar variation 1065011 (VCV001065011.6), dbSNP rs201232946, ClinGen allele CA6701416.
Genomic context (GRCh38, chr12:80,336,084, plus strand): 5'-AGTTATACAACTGGTCCCTTAATTGCCCAAAGGACGTGGAAATGCCTGACTGTGGTTTCC[G>A]AGGAAGGCCAGTTCAAGTGAACAGTGATATCTGCTGCCCTGAGTGGGAATGTCCTTGTAA-3'
Protein context (NP_001365538.2, residues 1505-1525): KDVEMPDCGF[Arg1515Gln]GRPVQVNSDI